The following is an entry in ClinVar:

NM_014321.4(ORC6):c.413C>A (p.Pro138Gln)

Gene: ORC6 (origin recognition complex subunit 6; plus strand). Cytogenetic location: 16q11.2.
Variant type: single nucleotide variant.
Coding change: c.413C>A on transcript NM_014321.4 (MANE Select); coding-DNA position 413, C replaced by A.
Protein change: p.Pro138Gln; replaces proline 138 with glutamine.
Molecular consequence: missense variant. On other transcripts: non-coding transcript variant (1).
Genome position (GRCh38, 1-based): chr16:46,693,146, C>A. VCF-style: chr16-46693146-C-A. GRCh37 (hg19) VCF-style: chr16-46727058-C-A.
Other names: short protein forms P138Q.
Identifiers: ClinVar variation 319302 (VCV000319302.7), dbSNP rs3218745, ClinGen allele CA8037380.

ClinVar aggregate classification (germline): Uncertain significance. Review status: criteria provided, multiple submitters, no conflicts (2 of 4 stars). 2 submissions from 2 submitters: Uncertain significance (2). Last evaluated 2022-06-04.

Conditions:
Meier-Gorlin syndrome 3 (MGORS3). Identifiers: Orphanet 2554, MedGen C3151113, MONDO:0013430, OMIM 613803.

Allele frequency attached by ClinVar (database versions not stated): ExAC 0.00018; gnomAD 0.00025 and 0.00027; TOPMed 0.00025; ESP Exome Variant Server 0.00031.
gnomAD v4.1: 753 of 1,613,006 alleles (0.047%); highest among the groups gnomAD compares: Non-Finnish European, 0.06%; 2 homozygotes.

Submissions (2):

Labcorp Genetics (formerly Invitae), Labcorp
Classification: Uncertain significance. Last evaluated: 2022-06-04. Review status: criteria provided, single submitter. Criteria: Invitae Variant Classification Sherloc (09022015). Collection method: clinical testing. Allele origin: germline.
Comment: This sequence change replaces proline, which is neutral and non-polar, with glutamine, which is neutral and polar, at codon 138 of the ORC6 protein (p.Pro138Gln). This variant is present in population databases (rs3218745, gnomAD 0.03%). This variant has not been reported in the literature in individuals affected with ORC6-related conditions. ClinVar contains an entry for this variant (Variation ID: 319302). Algorithms developed to predict the effect of missense changes on protein structure and function (SIFT, PolyPhen-2, Align-GVGD) all suggest that this variant is likely to be disruptive. In summary, the available evidence is currently insufficient to determine the role of this variant in disease. Therefore, it has been classified as a Variant of Uncertain Significance.

Illumina Laboratory Services, Illumina
Classification: Uncertain significance for Meier-Gorlin syndrome 3. Last evaluated: 2018-01-12. Review status: criteria provided, single submitter. Criteria: ICSL Variant Classification Criteria 13 December 2019. Collection method: clinical testing. Allele origin: germline.